The following is an entry in ClinVar:

ClinVar aggregate classification (germline): Likely benign. Review status: criteria provided, single submitter (1 of 4 stars). 2 submissions from 2 submitters: Likely benign (1). 1 of the submissions does not count toward it. Last evaluated 2024-07-15.

Conditions:
EBF3-related disorder. Identifiers: MedGen CN239924.

Allele frequency attached by ClinVar (database versions not stated): gnomAD 0.00013; ESP Exome Variant Server 0.00015; TOPMed 0.00032; 1000 Genomes Project 0.00040; 1000 Genomes Project 30x 0.00047.
gnomAD v4.1: 152 of 1,583,398 alleles (0.0096%); highest among the groups gnomAD compares: Admixed American, 0.044%; no homozygotes.

Submissions (2):

Blueprint Genetics
Classification: Likely benign. Last evaluated: 2024-07-15. Review status: criteria provided, single submitter. Criteria: ACMG Guidelines, 2015. Collection method: clinical testing. Allele origin: germline.

PreventionGenetics, part of Exact Sciences
Classification: Likely benign for EBF3-related condition. Last evaluated: 2021-01-04. Review status: no assertion criteria provided. Collection method: clinical testing. Allele origin: germline. Not counted in ClinVar's aggregate classification.
Comment: This variant is classified as likely benign based on ACMG/AMP sequence variant interpretation guidelines (Richards et al. 2015 PMID: 25741868, with internal and published modifications).

NM_001375380.1(EBF3):c.681C>T (p.Ala227=)

Gene: EBF3 (EBF transcription factor 3; minus strand). Cytogenetic location: 10q26.3.
Variant type: single nucleotide variant.
Coding change: c.681C>T on transcript NM_001375380.1 (MANE Select); coding-DNA position 681, C replaced by T.
Protein change: p.Ala227=; no amino-acid change (alanine 227 retained).
Molecular consequence: synonymous variant.
Genome position (GRCh38, 1-based): chr10:129,873,552, G>A on the plus strand (C>T on the coding strand, the complement: EBF3 is on the minus strand). VCF-style: chr10-129873552-G-A. GRCh37 (hg19) VCF-style: chr10-131671816-G-A.
Other names: c.681C>T, p.Ala227= (NM_001005463.3, NM_001375379.1, NM_001375389.1 and 3 more transcripts).
Identifiers: ClinVar variation 3058695 (VCV003058695.3), dbSNP rs150383257, ClinGen allele CA5748651.